The following is an entry in ClinVar:

NM_020937.4(FANCM):c.571C>T (p.Pro191Ser)

Gene: FANCM (FA complementation group M; plus strand). Cytogenetic location: 14q21.2.
Variant type: single nucleotide variant.
Coding change: c.571C>T on transcript NM_020937.4 (MANE Select); coding-DNA position 571, C replaced by T.
Protein change: p.Pro191Ser; replaces proline 191 with serine.
Molecular consequence: missense variant.
Genome position (GRCh38, 1-based): chr14:45,137,131, C>T. VCF-style: chr14-45137131-C-T. GRCh37 (hg19) VCF-style: chr14-45606334-C-T.
Other names: c.571C>T, p.Pro191Ser (NM_001308133.2, NM_001308134.2); short protein forms P191S.
Identifiers: ClinVar variation 3512922 (VCV003512922.1).
Genomic context (GRCh38, chr14:45,137,131, plus strand): 5'-TCTACACAAGCTTCCACCAGGAAGGAAATATGGTGCAGTAAGAGAGTGCTTTTTCTTACA[C>T]CTCAGGTCATGGTAAATGACCTTTCTAGAGGAGCTTGTCCCGCTGCTGAAATAAAGTGTT-3'
Protein context (NP_065988.1, residues 181-201): WCSKRVLFLT[Pro191Ser]QVMVNDLSRG

ClinVar aggregate classification (germline): Uncertain significance (1 of 4 stars; one submission).

Conditions:
Inborn genetic diseases. Identifiers: MedGen C0950123, MeSH D030342.

gnomAD v4.1: 3 of 1,612,718 alleles (0.00019%); highest among the groups gnomAD compares: Non-Finnish European, 0.00025%; no homozygotes.

Submission:

Ambry Genetics
Classification: Uncertain significance for Inborn genetic diseases. Last evaluated: 2024-11-24. Review status: criteria provided, single submitter. Criteria: Ambry Variant Classification Scheme 2023. Collection method: clinical testing. Allele origin: germline.
Comment: The p.P191S variant (also known as c.571C>T), located in coding exon 2 of the FANCM gene, results from a C to T substitution at nucleotide position 571. The proline at codon 191 is replaced by serine, an amino acid with similar properties. This amino acid position is conserved. In addition, the in silico prediction for this alteration is inconclusive. Based on the available evidence, the clinical significance of this variant remains unclear.